The following is an entry in ClinVar:

ClinVar aggregate classification (germline): Uncertain significance (1 of 4 stars; one submission).

Conditions:
Baller-Gerold syndrome (BGS). Also called: CRANIOSYNOSTOSIS WITH RADIAL DEFECTS. Identifiers: Orphanet 1225, MedGen C0265308, MONDO:0009039, OMIM 218600.

Submission:

Labcorp Genetics (formerly Invitae), Labcorp
Classification: Uncertain significance for Baller-Gerold syndrome. Last evaluated: 2024-01-26. Review status: criteria provided, single submitter. Criteria: Invitae Variant Classification Sherloc (09022015). Collection method: clinical testing. Allele origin: germline.
Comment: This sequence change replaces proline, which is neutral and non-polar, with serine, which is neutral and polar, at codon 1087 of the RECQL4 protein (p.Pro1087Ser). This variant is not present in population databases (gnomAD no frequency). This variant has not been reported in the literature in individuals affected with RECQL4-related conditions. Advanced modeling of protein sequence and biophysical properties (such as structural, functional, and spatial information, amino acid conservation, physicochemical variation, residue mobility, and thermodynamic stability) performed at Invitae indicates that this missense variant is not expected to disrupt RECQL4 protein function with a negative predictive value of 80%. In summary, the available evidence is currently insufficient to determine the role of this variant in disease. Therefore, it has been classified as a Variant of Uncertain Significance.

NM_004260.4(RECQL4):c.3259C>T (p.Pro1087Ser)

Gene: RECQL4 (RecQ like helicase 4; minus strand). Cytogenetic location: 8q24.3.
Variant type: single nucleotide variant.
Coding change: c.3259C>T on transcript NM_004260.4 (MANE Select); coding-DNA position 3259, C replaced by T.
Protein change: p.Pro1087Ser; replaces proline 1087 with serine.
Molecular consequence: missense variant. On other transcripts: non-coding transcript variant (3).
Genome position (GRCh38, 1-based): chr8:144,512,045, G>A on the plus strand (C>T on the coding strand, the complement: RECQL4 is on the minus strand). VCF-style: chr8-144512045-G-A. GRCh37 (hg19) VCF-style: chr8-145737428-G-A.
Other names: c.2965C>T, p.Pro989Ser (NM_001413017.1); c.3061C>T, p.Pro1021Ser (NM_001413018.1); c.3334C>T, p.Pro1112Ser (NM_001413019.1); c.3163C>T, p.Pro1055Ser (NM_001413020.1); c.2188C>T, p.Pro730Ser (NM_001413021.1, NM_001413022.1, NM_001413024.1 and 4 more transcripts); c.2263C>T, p.Pro755Ser (NM_001413023.1); c.3130C>T, p.Pro1044Ser (NM_001413025.1); c.2122C>T, p.Pro708Ser (NM_001413027.1, NM_001413030.1, NM_001413032.1); and 9 more; short protein forms P1021S, P1055S, P664S, P708S, P730S, P1077S, P598S, P686S.
Identifiers: ClinVar variation 2986420 (VCV002986420.3), dbSNP rs768802673, ClinGen allele CA187679208.